The following is an entry in ClinVar:

ClinVar aggregate classification (germline): Conflicting classifications of pathogenicity. Review status: criteria provided, conflicting classifications (1 of 4 stars). 3 submissions from 3 submitters: Uncertain significance (2); Likely benign (1). Last evaluated 2025-09-27.

Allele frequency attached by ClinVar (database versions not stated): gnomAD 0.00005 and 0.00006; gnomAD exomes 0.00020.
gnomAD v4.1: 89 of 1,613,706 alleles (0.0055%); highest among the groups gnomAD compares: East Asian, 0.19%; no homozygotes.

Submissions (3):

Labcorp Genetics (formerly Invitae), Labcorp
Classification: Likely benign. Last evaluated: 2025-09-27. Review status: criteria provided, single submitter. Criteria: Invitae Variant Classification Sherloc (09022015). Collection method: clinical testing. Allele origin: germline.

GeneDx
Classification: Uncertain significance. Last evaluated: 2025-06-18. Review status: criteria provided, single submitter. Criteria: GeneDx Variant Classification Process June 2021. Collection method: clinical testing. Allele origin: germline. Affected: yes.
Comment: In silico analysis supports that this missense variant has a deleterious effect on protein structure/function; Has not been previously published as pathogenic or benign to our knowledge

Genetic Services Laboratory, University of Chicago
Classification: Uncertain significance. Last evaluated: 2018-04-17. Review status: criteria provided, single submitter. Criteria: ACMG Guidelines, 2015. Collection method: clinical testing. Allele origin: germline. Affected: no.

NM_021008.4(DEAF1):c.1010C>G (p.Pro337Arg)

Gene: DEAF1 (DEAF1 transcription factor; minus strand). Cytogenetic location: 11p15.5.
Variant type: single nucleotide variant.
Coding change: c.1010C>G on transcript NM_021008.4 (MANE Select); coding-DNA position 1010, C replaced by G.
Protein change: p.Pro337Arg; replaces proline 337 with arginine.
Molecular consequence: missense variant.
Genome position (GRCh38, 1-based): chr11:679,804, G>C on the plus strand (C>G on the coding strand, the complement: DEAF1 is on the minus strand). VCF-style: chr11-679804-G-C. GRCh37 (hg19) VCF-style: chr11-679804-G-C.
Other names: c.743C>G, p.Pro248Arg (NM_001293634.2); c.284C>G, p.Pro95Arg (NM_001367390.1); c.1010C>G (NM_021008.2); short protein forms P248R, P337R, P95R.
Identifiers: ClinVar variation 1336602 (VCV001336602.12), dbSNP rs372135504, ClinGen allele CA5786347.
Genomic context (GRCh38, chr11:679,804, plus strand): 5'-GCCTCTACCGTGGACGCTCGGTCAAAGGTCAGTGCCCCCGAGGTCGTGATCTGTCCCGAG[G>C]GGGTCACGGTGACTGGAAAGGCAGAAGCACATTTCACGCGGCCAGGCAGTGGCGCCCACG-3'
Protein context (NP_066288.2, residues 327-347): ATAATTFTVT[Pro337Arg]SGQITTSGAL